The following is an entry in ClinVar:

ClinVar aggregate classification (germline): Uncertain significance (1 of 4 stars; one submission).

gnomAD v4.1: 6 of 1,611,300 alleles (0.00037%); highest among the groups gnomAD compares: African/African-American, 0.0027%; no homozygotes.

Submission:

Labcorp Genetics (formerly Invitae), Labcorp
Classification: Uncertain significance. Last evaluated: 2025-10-29. Review status: criteria provided, single submitter. Criteria: Invitae Variant Classification Sherloc (09022015). Collection method: clinical testing. Allele origin: germline.
Comment: This sequence change replaces tyrosine, which is neutral and polar, with cysteine, which is neutral and slightly polar, at codon 52 of the ERBIN protein (p.Tyr52Cys). This variant is present in population databases (no rsID available, gnomAD 0.005%). This variant has not been reported in the literature in individuals affected with ERBIN-related conditions. ClinVar contains an entry for this variant (Variation ID: 3017812). An algorithm developed to predict the effect of missense changes on protein structure and function (PolyPhen-2) suggests that this variant is likely to be disruptive. In summary, the available evidence is currently insufficient to determine the role of this variant in disease. Therefore, it has been classified as a Variant of Uncertain Significance.

NM_001253697.2(ERBIN):c.155A>G (p.Tyr52Cys)

Gene: ERBIN (erbb2 interacting protein; plus strand). Cytogenetic location: 5q12.3.
Variant type: single nucleotide variant.
Coding change: c.155A>G on transcript NM_001253697.2 (MANE Select); coding-DNA position 155, A replaced by G.
Protein change: p.Tyr52Cys; replaces tyrosine 52 with cysteine.
Molecular consequence: missense variant.
Genome position (GRCh38, 1-based): chr5:65,992,873, A>G. VCF-style: chr5-65992873-A-G. GRCh37 (hg19) VCF-style: chr5-65288701-A-G.
Other names: c.155A>G, p.Tyr52Cys (NM_001006600.3, NM_001253698.2, NM_001253699.2 and 2 more transcripts); short protein forms Y52C.
Identifiers: ClinVar variation 3017812 (VCV003017812.3), dbSNP rs1217658362, ClinGen allele CA359972007.